The following is an entry in ClinVar:

ClinVar aggregate classification (germline): Uncertain significance. Review status: criteria provided, multiple submitters, no conflicts (2 of 4 stars). 2 submissions from 2 submitters: Uncertain significance (2). Last evaluated 2024-02-14.

Conditions:
Colorectal cancer, susceptibility to, 1. Also called: COLORECTAL ADENOMA AND CANCER, SUSCEPTIBILITY TO; COLORECTAL CANCER, SUSCEPTIBILITY TO, ON CHROMOSOME 9. Identifiers: MedGen C1837315, MONDO:0012132, OMIM 608812.

Submissions (2):

Baylor Genetics
Classification: Uncertain significance for Colorectal cancer, susceptibility to, 1. Last evaluated: 2024-02-14. Review status: criteria provided, single submitter. Criteria: ACMG Guidelines, 2015. Collection method: clinical testing. Allele origin: unknown.

Labcorp Genetics (formerly Invitae), Labcorp
Classification: Uncertain significance. Last evaluated: 2023-07-17. Review status: criteria provided, single submitter. Criteria: Invitae Variant Classification Sherloc (09022015). Collection method: clinical testing. Allele origin: germline.
Comment: This sequence change replaces glutamic acid, which is acidic and polar, with lysine, which is basic and polar, at codon 89 of the GALNT12 protein (p.Glu89Lys). This variant is not present in population databases (gnomAD no frequency). This variant has not been reported in the literature in individuals affected with GALNT12-related conditions. Advanced modeling of protein sequence and biophysical properties (such as structural, functional, and spatial information, amino acid conservation, physicochemical variation, residue mobility, and thermodynamic stability) performed at Invitae indicates that this missense variant is not expected to disrupt GALNT12 protein function. In summary, the available evidence is currently insufficient to determine the role of this variant in disease. Therefore, it has been classified as a Variant of Uncertain Significance.

NM_024642.5(GALNT12):c.265G>A (p.Glu89Lys)

Gene: GALNT12 (polypeptide N-acetylgalactosaminyltransferase 12; plus strand). Cytogenetic location: 9q22.33.
Variant type: single nucleotide variant.
Coding change: c.265G>A on transcript NM_024642.5 (MANE Select); coding-DNA position 265, G replaced by A.
Protein change: p.Glu89Lys; replaces glutamic acid 89 with lysine.
Molecular consequence: missense variant.
Genome position (GRCh38, 1-based): chr9:98,807,963, G>A. VCF-style: chr9-98807963-G-A. GRCh37 (hg19) VCF-style: chr9-101570245-G-A.
Other names: short protein forms E89K.
Identifiers: ClinVar variation 2911935 (VCV002911935.4), dbSNP rs1374853820, ClinGen allele CA374222675.